The following is an entry in ClinVar:

NM_000179.3(MSH6):c.2032G>T (p.Glu678Ter)

Gene: MSH6 (mutS homolog 6; plus strand). Cytogenetic location: 2p16.3.
Variant type: single nucleotide variant.
Coding change: c.2032G>T on transcript NM_000179.3 (MANE Select); coding-DNA position 2032, G replaced by T.
Protein change: p.Glu678Ter; replaces glutamic acid 678 with a stop codon.
Molecular consequence: nonsense.
Genome position (GRCh38, 1-based): chr2:47,800,015, G>T. VCF-style: chr2-47800015-G-T. GRCh37 (hg19) VCF-style: chr2-48027154-G-T.
Other names: c.1642G>T, p.Glu548Ter (NM_001281492.2); c.1126G>T, p.Glu376Ter (NM_001281493.2, NM_001281494.2); short protein forms E548*, E376*, E678*.
Identifiers: ClinVar variation 1369392 (VCV001369392.6), dbSNP rs751778243, ClinGen allele CA346750725.

ClinVar aggregate classification (germline): Pathogenic (1 of 4 stars; one submission).

Conditions:
Hereditary nonpolyposis colorectal neoplasms. Identifiers: MedGen C0009405, MeSH D003123.

Submission:

Labcorp Genetics (formerly Invitae), Labcorp
Classification: Pathogenic for Hereditary nonpolyposis colorectal neoplasms. Last evaluated: 2024-04-22. Review status: criteria provided, single submitter. Criteria: Invitae Variant Classification Sherloc (09022015). Collection method: clinical testing. Allele origin: germline.
Comment: This sequence change creates a premature translational stop signal (p.Glu678*) in the MSH6 gene. It is expected to result in an absent or disrupted protein product. Loss-of-function variants in MSH6 are known to be pathogenic (PMID: 18269114, 24362816). This variant is not present in population databases (gnomAD no frequency). This variant has not been reported in the literature in individuals affected with MSH6-related conditions. ClinVar contains an entry for this variant (Variation ID: 1369392). Algorithms developed to predict the effect of sequence changes on RNA splicing suggest that this variant may create or strengthen a splice site. For these reasons, this variant has been classified as Pathogenic.

Literature cited by the submitters: PubMed 18269114; PubMed 24362816.